The following is an entry in ClinVar:

NM_001374385.1(ATP8B1):c.439C>G (p.Pro147Ala)

Gene: ATP8B1 (ATPase phospholipid transporting 8B1; minus strand). Cytogenetic location: 18q21.31.
Variant type: single nucleotide variant.
Coding change: c.439C>G on transcript NM_001374385.1 (MANE Select); coding-DNA position 439, C replaced by G.
Protein change: p.Pro147Ala; replaces proline 147 with alanine.
Molecular consequence: missense variant.
Genome position (GRCh38, 1-based): chr18:57,701,268, G>C on the plus strand (C>G on the coding strand, the complement: ATP8B1 is on the minus strand). VCF-style: chr18-57701268-G-C. GRCh37 (hg19) VCF-style: chr18-55368500-G-C.
Other names: c.439C>G (NM_005603.4); c.289C>G, p.Pro97Ala (NM_001374386.1); c.439C>G, p.Pro147Ala (NM_005603.6); short protein forms P147A, P97A.
Identifiers: ClinVar variation 502753 (VCV000502753.7), dbSNP rs778716817, ClinGen allele CA8974846.

ClinVar aggregate classification (germline): Uncertain significance. Review status: criteria provided, multiple submitters, no conflicts (2 of 4 stars). 3 submissions from 3 submitters: Uncertain significance (3). Last evaluated 2026-05-12.

Conditions:
Inborn genetic diseases. Identifiers: MedGen C0950123, MeSH D030342.
ATP8B1-related disorder. Also called: ATP8B1-related condition; ATP8B1-related disorders.

Allele frequency attached by ClinVar (database versions not stated): gnomAD exomes 0.00003 and 0.00001; gnomAD 0.00005 and 0.00006; TOPMed 0.00008; ExAC 0.00002.
gnomAD v4.1: 23 of 1,614,198 alleles (0.0014%); highest among the groups gnomAD compares: Admixed American, 0.022%; no homozygotes.

Submissions (3):

PreventionGenetics, part of Exact Sciences
Classification: Uncertain significance for ATP8B1-related condition. Last evaluated: 2026-05-12. Review status: criteria provided, single submitter. Criteria: ACMG Guidelines, 2015. Collection method: clinical testing. Allele origin: germline.
Comment: The ATP8B1 c.439C>G variant is predicted to result in the amino acid substitution p.Pro147Ala. To our knowledge, this variant has not been reported in the literature. This variant is reported in 0.020% of alleles in individuals of Latino descent in gnomAD. At this time, the clinical significance of this variant is uncertain due to the absence of conclusive functional and genetic evidence.

Ambry Genetics
Classification: Uncertain significance for Inborn genetic diseases. Last evaluated: 2025-06-18. Review status: criteria provided, single submitter. Criteria: Ambry Variant Classification Scheme 2023. Collection method: clinical testing. Allele origin: germline.

Eurofins Ntd Llc (ga)
Classification: Uncertain significance. Last evaluated: 2017-06-27. Review status: criteria provided, single submitter. Criteria: EGL Classification Definitions 2015. Collection method: clinical testing. Allele origin: germline. Observed: 2 variant alleles, 2 heterozygotes.